The following is an entry in ClinVar:

ClinVar aggregate classification (germline): Uncertain significance (1 of 4 stars; one submission).

Submission:

Labcorp Genetics (formerly Invitae), Labcorp
Classification: Uncertain significance. Last evaluated: 2022-08-23. Review status: criteria provided, single submitter. Criteria: Invitae Variant Classification Sherloc (09022015). Collection method: clinical testing. Allele origin: germline.
Comment: This sequence change replaces alanine, which is neutral and non-polar, with valine, which is neutral and non-polar, at codon 3383 of the VPS13C protein (p.Ala3383Val). This variant is not present in population databases (gnomAD no frequency). This variant has not been reported in the literature in individuals affected with VPS13C-related conditions. Algorithms developed to predict the effect of missense changes on protein structure and function are either unavailable or do not agree on the potential impact of this missense change (SIFT: "Tolerated"; PolyPhen-2: "Probably Damaging"; Align-GVGD: "Class C0"). In summary, the available evidence is currently insufficient to determine the role of this variant in disease. Therefore, it has been classified as a Variant of Uncertain Significance.

NM_020821.3(VPS13C):c.10148C>T (p.Ala3383Val)

Gene: VPS13C (vacuolar protein sorting 13 homolog C; minus strand). Cytogenetic location: 15q22.2.
Variant type: single nucleotide variant.
Coding change: c.10148C>T on transcript NM_020821.3 (MANE Select); coding-DNA position 10148, C replaced by T.
Protein change: p.Ala3383Val; replaces alanine 3383 with valine.
Molecular consequence: missense variant.
Genome position (GRCh38, 1-based): chr15:61,877,049, G>A on the plus strand (C>T on the coding strand, the complement: VPS13C is on the minus strand). VCF-style: chr15-61877049-G-A. GRCh37 (hg19) VCF-style: chr15-62169248-G-A.
Other names: c.10148C>T, p.Ala3383Val (NM_001018088.3); c.10019C>T, p.Ala3340Val (NM_017684.5, NM_018080.4); short protein forms A3340V, A3383V.
Identifiers: ClinVar variation 1968173 (VCV001968173.5), dbSNP rs974179790, ClinGen allele CA271900277.